The following is an entry in ClinVar:

ClinVar aggregate classification (germline): Conflicting classifications of pathogenicity. Review status: criteria provided, conflicting classifications (1 of 4 stars). 2 submissions from 2 submitters: Likely pathogenic (1); Uncertain significance (1). Last evaluated 2026-03-30.

Conditions:
Shwachman-Diamond syndrome 2. Identifiers: MedGen C4693704, MONDO:0044205, OMIM 617941.

Submissions (2):

Victorian Clinical Genetics Services, Murdoch Childrens Research Institute
Classification: Likely pathogenic for Shwachman-Diamond syndrome 2. Last evaluated: 2026-03-30. Review status: criteria provided, single submitter. Criteria: ACMG Guidelines, 2015. Collection method: clinical testing. Allele origin: germline. Affected: yes.
Comment: This variant is classified as Likely pathogenic. Evidence in support of pathogenic classification: Variant is absent from gnomAD (v2, v3 and v4); This variant has moderate evidence for segregation with disease. Missense variant predicted to be damaging by in silico tool(s) or highly conserved with a major amino acid change. Additional information: Variant is predicted to result in a missense amino acid change from Ser to Pro; This variant is homozygous; This gene is associated with autosomal recessive disease; Alternative amino acid change(s) at the same position are present in gnomAD (highest allele count: v4: 2 heterozygote(s), 0 homozygote(s)); Previous reports of pathogenicity for this variant are conflicting. This variant has been classified as likely pathogenic and VUS in the literature, where it has been reported in two individuals with skeletal dysplasia and in an individual with psychomotor delay, failure to thrive and myopia (PMID: 37524782, Urtekin, E. et al. 2026). This variant has also been classified as a VUS in ClinVar; No published functional evidence has been identified for this variant; No comparable missense variants have previous evidence for pathogenicity; Variant is located in the annotated binding site within the elongation factor Tu GTP binding domain (DECIPHER); Loss of function is a known mechanism of disease in this gene and is associated with Shwachman-Diamond syndrome 2 (MIM#617941); Inheritance information for this variant is not currently available in this individual.

GeneDx
Classification: Uncertain significance. Last evaluated: 2024-05-15. Review status: criteria provided, single submitter. Criteria: GeneDx Variant Classification Process June 2021. Collection method: clinical testing. Allele origin: germline. Affected: yes.
Comment: Not observed at significant frequency in large population cohorts (gnomAD); In silico analysis supports that this missense variant has a deleterious effect on protein structure/function; Has not been previously published as pathogenic or benign to our knowledge

Literature cited by the submitters: PubMed 37524782 (cited by Victorian Clinical Genetics Services, Murdoch Childrens Research Institute).

NM_024580.6(EFL1):c.277T>C (p.Ser93Pro)

Gene: EFL1 (elongation factor like GTPase 1; minus strand). Cytogenetic location: 15q25.2.
Variant type: single nucleotide variant.
Coding change: c.277T>C on transcript NM_024580.6 (MANE Select); coding-DNA position 277, T replaced by C.
Protein change: p.Ser93Pro; replaces serine 93 with proline.
Molecular consequence: missense variant. On other transcripts: 5 prime UTR variant (1), non-coding transcript variant (1).
Genome position (GRCh38, 1-based): chr15:82,241,371, A>G on the plus strand (T>C on the coding strand, the complement: EFL1 is on the minus strand). VCF-style: chr15-82241371-A-G. GRCh37 (hg19) VCF-style: chr15-82533712-A-G.
Other names: c.124T>C, p.Ser42Pro (NM_001040610.3); c.-513T>C (NM_001322844.2); c.277T>C, p.Ser93Pro (NM_001322845.2); short protein forms S42P, S93P.
Identifiers: ClinVar variation 3381490 (VCV003381490.2).